The following is an entry in ClinVar:

ClinVar aggregate classification (germline): Uncertain significance (1 of 4 stars; one submission).

Allele frequency attached by ClinVar (database versions not stated): gnomAD exomes below 0.00001 and 0.00001; ExAC 0.00002; gnomAD 0.00002; TOPMed 0.00005.
gnomAD v4.1: 6 of 1,601,274 alleles (0.00037%); highest among the groups gnomAD compares: African/African-American, 0.008%; no homozygotes.

Submission:

Labcorp Genetics (formerly Invitae), Labcorp
Classification: Uncertain significance. Last evaluated: 2025-02-17. Review status: criteria provided, single submitter. Criteria: Invitae Variant Classification Sherloc (09022015). Collection method: clinical testing. Allele origin: germline.
Comment: This sequence change replaces serine, which is neutral and polar, with phenylalanine, which is neutral and non-polar, at codon 319 of the LRIT3 protein (p.Ser319Phe). This variant is present in population databases (rs761969518, gnomAD 0.02%). This variant has not been reported in the literature in individuals affected with LRIT3-related conditions. ClinVar contains an entry for this variant (Variation ID: 1051951). An algorithm developed to predict the effect of missense changes on protein structure and function (PolyPhen-2) suggests that this variant is likely to be disruptive. In summary, the available evidence is currently insufficient to determine the role of this variant in disease. Therefore, it has been classified as a Variant of Uncertain Significance.

NM_198506.5(LRIT3):c.956C>T (p.Ser319Phe)

Gene: LRIT3 (leucine rich repeat, Ig-like and transmembrane domains 3; plus strand). Cytogenetic location: 4q25.
Variant type: single nucleotide variant.
Coding change: c.956C>T on transcript NM_198506.5 (MANE Select); coding-DNA position 956, C replaced by T.
Protein change: p.Ser319Phe; replaces serine 319 with phenylalanine.
Molecular consequence: missense variant.
Genome position (GRCh38, 1-based): chr4:109,869,705, C>T. VCF-style: chr4-109869705-C-T. GRCh37 (hg19) VCF-style: chr4-110790861-C-T.
Other names: short protein forms S319F.
Identifiers: ClinVar variation 1051951 (VCV001051951.5), dbSNP rs761969518, ClinGen allele CA3043104.